The following is an entry in ClinVar:

ClinVar aggregate classification (germline): Pathogenic (1 of 4 stars; one submission).

Submission:

Labcorp Genetics (formerly Invitae), Labcorp
Classification: Pathogenic. Last evaluated: 2024-12-15. Review status: criteria provided, single submitter. Criteria: Invitae Variant Classification Sherloc (09022015). Collection method: clinical testing. Allele origin: germline.
Comment: This sequence change creates a premature translational stop signal (p.His151Metfs*45) in the ERCC6L2 gene. It is expected to result in an absent or disrupted protein product. Loss-of-function variants in ERCC6L2 are known to be pathogenic (PMID: 24507776, 27185855, 29146883, 29987015). This variant is not present in population databases (gnomAD no frequency). This variant has not been reported in the literature in individuals affected with ERCC6L2-related conditions. For these reasons, this variant has been classified as Pathogenic.

Literature cited by the submitters: PubMed 24507776; PubMed 27185855; PubMed 29146883; PubMed 29987015.

NM_020207.7(ERCC6L2):c.418del (p.His140fs)

Gene: ERCC6L2 (ERCC excision repair 6 like 2; plus strand). Cytogenetic location: 9q22.32.
Variant type: Deletion.
Coding change: c.418del on transcript NM_020207.7 (MANE Select); coding-DNA position 418, one base deleted (C; older notation c.418delC).
Protein change: p.His140fs; shifts the reading frame from histidine 140.
Molecular consequence: frameshift variant. On other transcripts: non-coding transcript variant (1).
Genome position (GRCh38, 1-based): chr9:95,881,240, C deleted; the last of 2 consecutive C bases (chr9:95,881,239-95,881,240); deleting either gives the same sequence. VCF-style (leftmost placement, unchanged base first): chr9-95881238-TC-T. GRCh37 (hg19) VCF-style: chr9-98643520-TC-T.
Other names: c.418del, p.His140fs (NM_001010895.4, NM_001375291.1, NM_001375292.1 and 2 more transcripts); short protein forms H140fs.
Identifiers: ClinVar variation 3727363 (VCV003727363.2).